The following is an entry in ClinVar:

ClinVar aggregate classification (germline): Uncertain significance (1 of 4 stars; one submission).

Submission:

GeneDx
Classification: Uncertain significance. Last evaluated: 2026-02-05. Review status: criteria provided, single submitter. Criteria: GeneDx Variant Classification Process June 2021. Collection method: clinical testing. Allele origin: germline.
Comment: Not observed at significant frequency in large population cohorts (gnomAD); Canonical splice site variant with an unclear effect on protein function; Has not been previously published as pathogenic or benign to our knowledge

NM_000829.4(GRIA4):c.1476+1G>C

Gene: GRIA4 (glutamate ionotropic receptor AMPA type subunit 4; plus strand). Cytogenetic location: 11q22.3.
Variant type: single nucleotide variant.
Coding change: c.1476+1G>C on transcript NM_000829.4 (MANE Select); the canonical splice donor site of the intron after coding-DNA position 1476, G replaced by C.
Molecular consequence: splice donor variant. On other transcripts: intron variant (6).
Genome position (GRCh38, 1-based): chr11:105,918,919, G>C. VCF-style: chr11-105918919-G-C. GRCh37 (hg19) VCF-style: chr11-105789645-G-C.
Other names: c.1476+1G>C (NM_001440383.1, NM_001440386.1, NM_001440395.1 and 10 more transcripts); c.1455+22G>C (NM_001440388.1, NM_001440390.1, NM_001440398.1 and 1 more transcripts); c.1270-5480G>C (NM_001440394.1); c.1158+13618G>C (NM_001440399.1).
Identifiers: ClinVar variation 4976318 (VCV004976318.1).